The following is an entry in ClinVar:

ClinVar aggregate classification (germline): Uncertain significance. Review status: criteria provided, multiple submitters, no conflicts (2 of 4 stars). 2 submissions from 2 submitters: Uncertain significance (2). Last evaluated 2024-10-20.

Conditions:
Inborn genetic diseases. Identifiers: MedGen C0950123, MeSH D030342.
Short-rib thoracic dysplasia 11 with or without polydactyly (SRTD11). Also called: SHORT-RIB THORACIC DYSPLASIA 11 WITHOUT POLYDACTYLY. Identifiers: Orphanet 474, Orphanet 93271, MedGen C3810200, MONDO:0014287, OMIM 615633.

Allele frequency attached by ClinVar (database versions not stated): gnomAD 0.00001; TOPMed 0.00002; gnomAD exomes 0.00004; ExAC 0.00017.
gnomAD v4.1: 41 of 1,422,078 alleles (0.0029%); highest among the groups gnomAD compares: Non-Finnish European, 0.0036%; no homozygotes.

Submissions (2):

Ambry Genetics
Classification: Uncertain significance for Inborn genetic diseases. Last evaluated: 2024-10-20. Review status: criteria provided, single submitter. Criteria: Ambry Variant Classification Scheme 2023. Collection method: clinical testing. Allele origin: germline.

Labcorp Genetics (formerly Invitae), Labcorp
Classification: Uncertain significance for Short-rib thoracic dysplasia 11 with or without polydactyly. Last evaluated: 2021-08-14. Review status: criteria provided, single submitter. Criteria: Invitae Variant Classification Sherloc (09022015). Collection method: clinical testing. Allele origin: germline.
Comment: This sequence change replaces threonine with isoleucine at codon 3 of the WDR34 protein (p.Thr3Ile). The threonine residue is weakly conserved and there is a moderate physicochemical difference between threonine and isoleucine. While this variant is present in population databases (rs759289615), the frequency information is unreliable, as metrics indicate poor data quality at this position in the ExAC database. This variant has not been reported in the literature in individuals affected with WDR34-related conditions. Algorithms developed to predict the effect of missense changes on protein structure and function are either unavailable or do not agree on the potential impact of this missense change (SIFT: "Deleterious"; PolyPhen-2: "Benign"; Align-GVGD: "Class C0"). In summary, the available evidence is currently insufficient to determine the role of this variant in disease. Therefore, it has been classified as a Variant of Uncertain Significance.

NM_052844.4(DYNC2I2):c.8C>T (p.Thr3Ile)

Gene: DYNC2I2 (dynein 2 intermediate chain 2; minus strand). Cytogenetic location: 9q34.11.
Variant type: single nucleotide variant.
Coding change: c.8C>T on transcript NM_052844.4 (MANE Select); coding-DNA position 8, C replaced by T.
Protein change: p.Thr3Ile; replaces threonine 3 with isoleucine.
Molecular consequence: missense variant.
Genome position (GRCh38, 1-based): chr9:128,656,719, G>A on the plus strand (C>T on the coding strand, the complement: DYNC2I2 is on the minus strand). VCF-style: chr9-128656719-G-A. GRCh37 (hg19) VCF-style: chr9-131418998-G-A.
Other names: c.8C>T (NM_052844.3); short protein forms T3I.
Identifiers: ClinVar variation 1681277 (VCV001681277.6), dbSNP rs759289615, ClinGen allele CA5266777.
Genomic context (GRCh38, chr9:128,656,719, plus strand): 5'-GTCGCCAGCGCCGCAACACCAGCGCTTCCCGCCTGGCTGAGTGGCCCCGGCTGCGCGCGG[G>A]TTGCCATGGAGACGGTTCCGCCCTCTCGTGCGGACGCACTCAGGCGCGACCTCCGCCCCT-3'
Protein context (NP_443076.2, residues 1-13): MA[Thr3Ile]RAQPGPLSQA